The following is an entry in ClinVar:

ClinVar aggregate classification (germline): Pathogenic. Review status: criteria provided, multiple submitters, no conflicts (2 of 4 stars). 2 submissions from 2 submitters: Pathogenic (2). Last evaluated 2025-10-14.

Conditions:
Niemann-Pick disease, type C1. Also called: NEUROVISCERAL STORAGE DISEASE WITH VERTICAL SUPRANUCLEAR OPHTHALMOPLEGIA; NIEMANN-PICK DISEASE WITH CHOLESTEROL ESTERIFICATION BLOCK; NIEMANN-PICK DISEASE WITHOUT SPHINGOMYELINASE DEFICIENCY; NIEMANN-PICK DISEASE, CHRONIC NEURONOPATHIC FORM; NIEMANN-PICK DISEASE, VARIANT TYPE C1. Identifiers: Orphanet 646, MedGen C3179455, MONDO:0009757, OMIM 257220.

Submissions (2):

Victorian Clinical Genetics Services, Murdoch Childrens Research Institute
Classification: Pathogenic for Niemann-Pick disease, type C1. Last evaluated: 2025-10-14. Review status: criteria provided, single submitter. Criteria: ACMG Guidelines, 2015. Collection method: clinical testing. Allele origin: germline.
Comment: This variant is classified as Pathogenic. Evidence in support of pathogenic classification: Variant is predicted to cause nonsense-mediated decay (NMD) and loss of protein (premature termination codon is located at least 54 nucleotides upstream of the final exon-exon junction); Variant is absent from gnomAD (v2, v3 and v4); Other NMD-predicted variant(s) comparable to the one identified in this case have very strong previous evidence for pathogenicity (DECIPHER). Additional information: This variant is homozygous; This gene is associated with autosomal recessive disease; Loss of function is a known mechanism of disease in this gene and is associated with Niemann-Pick disease, type C1 (MIM#257220); This variant has been shown to be both maternally and paternally inherited (biallelic).

Labcorp Genetics (formerly Invitae), Labcorp
Classification: Pathogenic for Niemann-Pick disease, type C1. Last evaluated: 2023-02-27. Review status: criteria provided, single submitter. Criteria: Invitae Variant Classification Sherloc (09022015). Collection method: clinical testing. Allele origin: germline.
Comment: For these reasons, this variant has been classified as Pathogenic. This variant has not been reported in the literature in individuals affected with NPC1-related conditions. This variant is not present in population databases (gnomAD no frequency). This sequence change creates a premature translational stop signal (p.Asn589*) in the NPC1 gene. It is expected to result in an absent or disrupted protein product. Loss-of-function variants in NPC1 are known to be pathogenic (PMID: 9211850).

Literature cited by the submitters: PubMed 9211850 (cited by Labcorp Genetics (formerly Invitae), Labcorp).

NM_000271.5(NPC1):c.1764dup (p.Asn589Ter)

Gene: NPC1 (NPC intracellular cholesterol transporter 1; minus strand). Cytogenetic location: 18q11.2.
Variant type: Duplication.
Coding change: c.1764dup on transcript NM_000271.5 (MANE Select); coding-DNA position 1764, one base duplicated (T; older notation c.1764dupT).
Protein change: p.Asn589Ter; replaces asparagine 589 with a stop codon.
Molecular consequence: nonsense.
Genome position (GRCh38, 1-based): chr18:23,545,143, A duplicated on the plus strand (T on the coding strand, the reverse complement: NPC1 is on the minus strand); the first of 2 consecutive A bases (chr18:23,545,143-23,545,144); duplicating either gives the same sequence. VCF-style (leftmost placement, unchanged base first): chr18-23545142-T-TA. GRCh37 (hg19) VCF-style: chr18-21125106-T-TA.
Other names: short protein forms N589*.
Identifiers: ClinVar variation 2835530 (VCV002835530.4), dbSNP rs2511240834, ClinGen allele CA2739268611.
Genomic context (GRCh38, chr18:23,545,142, plus strand): 5'-TACTTCGTTCAGCAGTGAAGGAAATGGTCAGATTGGGATTCTTGTAGTTTTTCACAAAAT[T>TA]AATAAACCTAAAAGGTAAGCAAAATGTTATATTTTTAGTTAAACTAACTGACAGCTAAGT-3'